The following is an entry in ClinVar:

ClinVar aggregate classification (germline): Benign. Review status: criteria provided, multiple submitters, no conflicts (2 of 4 stars). 2 submissions from 2 submitters: Benign (2). Last evaluated 2018-01-12.

Conditions:
Hereditary xanthinuria type 1 (XAN1). Identifiers: Orphanet 3467, Orphanet 93601, MedGen C0268118, MONDO:0010209, OMIM 278300.

Allele frequency attached by ClinVar (database versions not stated): gnomAD 0.26925; 1000 Genomes Project 0.28155; 1000 Genomes Project 30x 0.28373; TOPMed 0.28468.

Submissions (2):

Illumina Laboratory Services, Illumina
Classification: Benign for Hereditary xanthinuria type 1. Last evaluated: 2018-01-12. Review status: criteria provided, single submitter. Criteria: ICSL Variant Classification Criteria 13 December 2019. Collection method: clinical testing. Allele origin: germline.
Comment: This variant was observed in the ICSL laboratory as part of a predisposition screen in an ostensibly healthy population. It had not been previously curated by ICSL or reported in the Human Gene Mutation Database (HGMD: prior to June 1st, 2018), and was therefore a candidate for classification through an automated scoring system. Utilizing variant allele frequency, disease prevalence and penetrance estimates, and inheritance mode, an automated score was calculated to assess if this variant is too frequent to cause the disease. Based on the score and internal cut-off values, a variant classified as benign is not then subjected to further curation. The score for this variant resulted in a classification of benign for this disease.

Breakthrough Genomics
Classification: Benign. Review status: criteria provided, single submitter. Criteria: ACMG Guidelines, 2015. Collection method: not provided. Allele origin: germline. Inheritance: Autosomal recessive inheritance. Affected: yes.

NM_000379.4(XDH):c.*1555G>T

Gene: XDH (xanthine dehydrogenase; minus strand). Cytogenetic location: 2p23.1.
Variant type: single nucleotide variant.
Coding change: c.*1555G>T on transcript NM_000379.4 (MANE Select); 1555 bases downstream of the stop codon, G replaced by T.
Molecular consequence: 3 prime UTR variant.
Genome position (GRCh38, 1-based): chr2:31,334,403, C>A on the plus strand (G>T on the coding strand, the complement: XDH is on the minus strand). VCF-style: chr2-31334403-C-A. GRCh37 (hg19) VCF-style: chr2-31557269-C-A.
Identifiers: ClinVar variation 335733 (VCV000335733.6), dbSNP rs6752058, ClinGen allele CA10615055.